The following is an entry in ClinVar:

NM_016203.4(PRKAG2):c.8G>A (p.Ser3Asn)

Gene: PRKAG2 (protein kinase AMP-activated non-catalytic subunit gamma 2; minus strand). Cytogenetic location: 7q36.1.
Variant type: single nucleotide variant.
Coding change: c.8G>A on transcript NM_016203.4 (MANE Select); coding-DNA position 8, G replaced by A.
Protein change: p.Ser3Asn; replaces serine 3 with asparagine.
Molecular consequence: missense variant.
Genome position (GRCh38, 1-based): chr7:151,876,613, C>T on the plus strand (G>A on the coding strand, the complement: PRKAG2 is on the minus strand). VCF-style: chr7-151876613-C-T. GRCh37 (hg19) VCF-style: chr7-151573698-C-T.
Other names: c.8G>A (NM_016203.3); c.8G>A, p.Ser3Asn (NM_001407021.1, NM_001407022.1, NM_001407023.1 and 2 more transcripts); short protein forms S3N.
Identifiers: ClinVar variation 2146954 (VCV002146954.5), dbSNP rs776891994, ClinGen allele CA370072064.

ClinVar aggregate classification (germline): Uncertain significance. Review status: criteria provided, multiple submitters, no conflicts (2 of 4 stars). 2 submissions from 2 submitters: Uncertain significance (2). Last evaluated 2024-05-12.

Conditions:
Cardiovascular phenotype. Identifiers: MedGen CN230736.
Lethal congenital glycogen storage disease of heart. Also called: GLYCOGEN STORAGE DISEASE OF HEART; PHOSPHORYLASE KINASE DEFICIENCY OF HEART. Identifiers: Orphanet 439854, MedGen C1849813, MONDO:0009867, OMIM 261740.

Submissions (2):

Ambry Genetics
Classification: Uncertain significance for Cardiovascular phenotype. Last evaluated: 2024-05-12. Review status: criteria provided, single submitter. Criteria: Ambry Variant Classification Scheme 2023. Collection method: clinical testing. Allele origin: germline.

Labcorp Genetics (formerly Invitae), Labcorp
Classification: Uncertain significance for Lethal congenital glycogen storage disease of heart. Last evaluated: 2022-03-01. Review status: criteria provided, single submitter. Criteria: Invitae Variant Classification Sherloc (09022015). Collection method: clinical testing. Allele origin: germline.
Comment: In summary, the available evidence is currently insufficient to determine the role of this variant in disease. Therefore, it has been classified as a Variant of Uncertain Significance. This sequence change replaces serine, which is neutral and polar, with asparagine, which is neutral and polar, at codon 3 of the PRKAG2 protein (p.Ser3Asn). This variant is not present in population databases (gnomAD no frequency). This variant has not been reported in the literature in individuals affected with PRKAG2-related conditions. Advanced modeling of protein sequence and biophysical properties (such as structural, functional, and spatial information, amino acid conservation, physicochemical variation, residue mobility, and thermodynamic stability) performed at Invitae indicates that this missense variant is not expected to disrupt PRKAG2 protein function.